The following is an entry in ClinVar:

ClinVar aggregate classification (germline): Benign/Likely benign. Review status: criteria provided, multiple submitters, no conflicts (2 of 4 stars). 2 submissions from 2 submitters: Benign (1); Likely benign (1). Last evaluated 2025-08-17.

Conditions:
Pheochromocytoma/paraganglioma syndrome 1. Also called: PARAGANGLIOMATA; PARAGANGLIOMAS, FAMILIAL NONCHROMAFFIN, 1; PGL 1; Paragangliomas familial 1; Paragangliomas 1; Glomus tumors familial 1. Identifiers: Orphanet 29072, MedGen C3494181, MONDO:0008192, OMIM 168000.
Pheochromocytoma. Also called: MAX-Related Hereditary Paraganglioma-Pheochromocytoma Syndrome. Identifiers: Orphanet 29072, MedGen C0031511, MONDO:0008233, OMIM 171300, HP:0002666.
Cowden syndrome 3 (CWS3). Identifiers: Orphanet 201, MedGen CN166604, MONDO:0014045.
Paragangliomas with sensorineural hearing loss. Identifiers: MedGen C1868633.
Carney-Stratakis syndrome. Also called: PARAGANGLIOMA AND GASTROINTESTINAL STROMAL TUMOR. Identifiers: Orphanet 97286, MedGen C1847319, MONDO:0011740, OMIM 606864.

Allele frequency attached by ClinVar (database versions not stated): TOPMed below 0.00001.
gnomAD v4.1: 1 of 1,612,486 alleles (0.000062%); no homozygotes.

Submissions (2):

Labcorp Genetics (formerly Invitae), Labcorp
Classification: Likely benign for Carney-Stratakis syndrome; Paragangliomas with sensorineural hearing loss; Pheochromocytoma; Cowden syndrome 3. Last evaluated: 2025-08-17. Review status: criteria provided, single submitter. Criteria: Invitae Variant Classification Sherloc (09022015). Collection method: clinical testing. Allele origin: germline.

Myriad Genetics, Inc.
Classification: Benign for Pheochromocytoma/paraganglioma syndrome 1. Last evaluated: 2025-03-17. Review status: criteria provided, single submitter. Criteria: Myriad Autosomal Dominant, Autosomal Recessive and X-Linked Classification Criteria (2023). Collection method: clinical testing. Allele origin: unknown.
Comment: This variant is considered benign. This variant is a silent/synonymous amino acid change and it is not expected to impact splicing.

NM_003002.4(SDHD):c.192C>A (p.Leu64=)

Gene: SDHD (succinate dehydrogenase complex subunit D; plus strand). Cytogenetic location: 11q23.1.
Variant type: single nucleotide variant.
Coding change: c.192C>A on transcript NM_003002.4 (MANE Select); coding-DNA position 192, C replaced by A.
Protein change: p.Leu64=; no amino-acid change (leucine 64 retained).
Molecular consequence: synonymous variant. On other transcripts: non-coding transcript variant (1), intron variant (1).
Genome position (GRCh38, 1-based): chr11:112,088,889, C>A. VCF-style: chr11-112088889-C-A. GRCh37 (hg19) VCF-style: chr11-111959613-C-A.
Other names: c.75C>A, p.Leu25= (NM_001276504.2); c.192C>A, p.Leu64= (NM_001276506.2); c.169+916C>A (NM_001276503.2).
Identifiers: ClinVar variation 2049328 (VCV002049328.5), dbSNP rs1592780337, ClinGen allele CA476790339.